The following is an entry in ClinVar:

NM_001374828.1(ARID1B):c.5861dup (p.Thr1955fs)

Gene: ARID1B (AT-rich interaction domain 1B; plus strand). Cytogenetic location: 6q25.3.
Variant type: Duplication.
Coding change: c.5861dup on transcript NM_001374828.1 (MANE Select); coding-DNA position 5861, one base duplicated (A; older notation c.5861dupA).
Protein change: p.Thr1955fs; shifts the reading frame from threonine 1955.
Molecular consequence: frameshift variant.
Genome position (GRCh38, 1-based): chr6:157,206,633, A duplicated. VCF-style (leftmost placement, unchanged base first): chr6-157206632-C-CA. GRCh37 (hg19) VCF-style: chr6-157527766-C-CA.
Other names: c.5612dup, p.Thr1872Aspfs (NM_001346813.1); c.3362dup, p.Thr1122fs (NM_001363725.2); c.5741dup, p.Thr1915fs (NM_001371656.1, NM_001374820.1); c.5702dup, p.Thr1902fs (NM_017519.3); c.5492dup, p.Thr1832Aspfs (NM_020732.3); c.5279dup, p.Thr1761Aspfs (NM_175863.2); short protein forms T1122fs, T1915fs, T1955fs, T1902fs.
Identifiers: ClinVar variation 2693314 (VCV002693314.3), dbSNP rs2538766212, ClinGen allele CA2697553793.
Genomic context (GRCh38, chr6:157,206,632, plus strand): 5'-GAGTTCAATAGTGGCCTTCTGCACTGGCAGCTCGGCGGGGGTGACACCACCGAGCACATT[C>CA]AGACTCACTTTGAGAGCAAGATGGAAATTCCTCCTCGCAGGCGCCCACCTCCCCCCTTAA-3'

ClinVar aggregate classification (germline): Pathogenic (1 of 4 stars; one submission).

Submission:

Labcorp Genetics (formerly Invitae), Labcorp
Classification: Pathogenic. Last evaluated: 2023-11-21. Review status: criteria provided, single submitter. Criteria: Invitae Variant Classification Sherloc (09022015). Collection method: clinical testing. Allele origin: germline.
Comment: This sequence change creates a premature translational stop signal (p.Thr1832Aspfs*4) in the ARID1B gene. While this is not anticipated to result in nonsense mediated decay, it is expected to disrupt the last 418 amino acid(s) of the ARID1B protein. This variant is not present in population databases (gnomAD no frequency). This variant has not been reported in the literature in individuals affected with ARID1B-related conditions. This variant disrupts a region of the ARID1B protein in which other variant(s) (p.Ser2311*) have been determined to be pathogenic (PMID: 31981384). This suggests that this is a clinically significant region of the protein, and that variants that disrupt it are likely to be disease-causing. For these reasons, this variant has been classified as Pathogenic.

Literature cited by the submitters: PubMed 31981384.